The following is an entry in ClinVar:

ClinVar aggregate classification (germline): Uncertain significance (1 of 4 stars; one submission).

Allele frequency attached by ClinVar (database versions not stated): gnomAD 0.00002; gnomAD exomes 0.00002; TOPMed 0.00002; ExAC 0.00004.
gnomAD v4.1: 4 of 1,612,380 alleles (0.00025%); highest among the groups gnomAD compares: African/African-American, 0.0053%; no homozygotes.

Submission:

Labcorp Genetics (formerly Invitae), Labcorp
Classification: Uncertain significance. Last evaluated: 2022-08-24. Review status: criteria provided, single submitter. Criteria: Invitae Variant Classification Sherloc (09022015). Collection method: clinical testing. Allele origin: germline.
Comment: This variant has not been reported in the literature in individuals affected with IMPG1-related conditions. ClinVar contains an entry for this variant (Variation ID: 958177). Variants that disrupt the consensus splice site are a relatively common cause of aberrant splicing (PMID: 17576681, 9536098). Algorithms developed to predict the effect of sequence changes on RNA splicing suggest that this variant is not likely to affect RNA splicing. In summary, the available evidence is currently insufficient to determine the role of this variant in disease. Therefore, it has been classified as a Variant of Uncertain Significance. This variant is present in population databases (rs777341945, gnomAD 0.03%). This sequence change falls in intron 7 of the IMPG1 gene. It does not directly change the encoded amino acid sequence of the IMPG1 protein. It affects a nucleotide within the consensus splice site.

Literature cited by the submitters: PubMed 17576681; PubMed 9536098.

NM_001563.4(IMPG1):c.807+6T>A

Gene: IMPG1 (interphotoreceptor matrix proteoglycan 1; minus strand). Cytogenetic location: 6q14.1.
Variant type: single nucleotide variant.
Coding change: c.807+6T>A on transcript NM_001563.4 (MANE Select); 6 bases into the intron after coding-DNA position 807, T replaced by A.
Molecular consequence: intron variant.
Genome position (GRCh38, 1-based): chr6:76,018,712, A>T on the plus strand (T>A on the coding strand, the complement: IMPG1 is on the minus strand). VCF-style: chr6-76018712-A-T. GRCh37 (hg19) VCF-style: chr6-76728429-A-T.
Other names: c.573+6T>A (NM_001282368.2).
Identifiers: ClinVar variation 958177 (VCV000958177.9), dbSNP rs777341945, ClinGen allele CA3898330.